The following is an entry in ClinVar:

NM_003803.4(MYOM1):c.1989G>T (p.Gln663His)

Gene: MYOM1 (myomesin 1; minus strand). Cytogenetic location: 18p11.31.
Variant type: single nucleotide variant.
Coding change: c.1989G>T on transcript NM_003803.4 (MANE Select); coding-DNA position 1989, G replaced by T.
Protein change: p.Gln663His; replaces glutamine 663 with histidine.
Molecular consequence: missense variant.
Genome position (GRCh38, 1-based): chr18:3,141,975, C>A on the plus strand (G>T on the coding strand, the complement: MYOM1 is on the minus strand). VCF-style: chr18-3141975-C-A. GRCh37 (hg19) VCF-style: chr18-3141973-C-A.
Other names: c.1989G>T, p.Gln663His (NM_019856.2); short protein forms Q663H.
Identifiers: ClinVar variation 1783914 (VCV001783914.2), dbSNP rs2510650711, ClinGen allele CA401713654.

ClinVar aggregate classification (germline): Uncertain significance (1 of 4 stars; one submission).

Allele frequency attached by ClinVar (database versions not stated): gnomAD exomes below 0.00001.

Submission:

Ambry Genetics
Classification: Uncertain significance. Last evaluated: 2021-12-16. Review status: criteria provided, single submitter. Criteria: Ambry Variant Classification Scheme 2023. Collection method: clinical testing. Allele origin: germline.
Comment: The p.Q663H variant (also known as c.1989G>T), located in coding exon 13 of the MYOM1 gene, results from a G to T substitution at nucleotide position 1989. The glutamine at codon 663 is replaced by histidine, an amino acid with highly similar properties. This amino acid position is conserved. In addition, this alteration is predicted to be tolerated by in silico analysis. Since supporting evidence is limited at this time, the clinical significance of this alteration remains unclear.